The following is an entry in ClinVar:

ClinVar aggregate classification (germline): Uncertain significance (1 of 4 stars; one submission).

Submission:

Labcorp Genetics (formerly Invitae), Labcorp
Classification: Uncertain significance. Last evaluated: 2023-11-28. Review status: criteria provided, single submitter. Criteria: Invitae Variant Classification Sherloc (09022015). Collection method: clinical testing. Allele origin: germline.
Comment: This sequence change replaces glycine, which is neutral and non-polar, with glutamic acid, which is acidic and polar, at codon 461 of the KRT9 protein (p.Gly461Glu). Information on the frequency of this variant in the gnomAD database is not available, as this variant may be reported differently in the database. This variant has not been reported in the literature in individuals affected with KRT9-related conditions. An algorithm developed to predict the effect of missense changes on protein structure and function (PolyPhen-2) suggests that this variant is likely to be disruptive. In summary, the available evidence is currently insufficient to determine the role of this variant in disease. Therefore, it has been classified as a Variant of Uncertain Significance.

NM_000226.4(KRT9):c.1382_1383delinsAA (p.Gly461Glu)

Gene: KRT9 (keratin 9; minus strand). Cytogenetic location: 17q21.2.
Variant type: Indel.
Coding change: c.1382_1383delinsAA on transcript NM_000226.4 (MANE Select); coding-DNA positions 1382 to 1383, GC replaced by AA.
Protein change: p.Gly461Glu; replaces glycine 461 with glutamic acid.
Molecular consequence: missense variant.
Genome position (GRCh38, 1-based): chr17:41,568,173-41,568,174, GC replaced by TT on the plus strand (GC replaced by AA on the coding strand, the reverse complement: KRT9 is on the minus strand). VCF-style: chr17-41568173-GC-TT. GRCh37 (hg19) VCF-style: chr17-39724425-GC-TT.
Other names: short protein forms G461E.
Identifiers: ClinVar variation 2768472 (VCV002768472.3), dbSNP rs2508717131, ClinGen allele CA2697559849.